The following is an entry in ClinVar:

NM_001371333.1(DIABLO):c.-1A>G

Genes: DIABLO (diablo IAP-binding mitochondrial protein; minus strand), LOC130009040 (ATAC-STARR-seq lymphoblastoid active region 7211; plus strand). Cytogenetic location: 12q24.31.
Variant type: single nucleotide variant.
Coding change: c.-1A>G on transcript NM_001371333.1 (MANE Select); 1 bases upstream of the start codon, A replaced by G.
Molecular consequence: 5 prime UTR variant.
Genome position (GRCh38, 1-based): chr12:122,226,015, T>C on the plus strand (A>G on the coding strand, the complement: DIABLO is on the minus strand). VCF-style: chr12-122226015-T-C. GRCh37 (hg19) VCF-style: chr12-122710562-T-C.
Other names: c.-131A>G (NM_001278302.1, NM_138930.3); c.-87A>G (NM_001278303.1); c.-1A>G (NM_001278342.1, NM_019887.6).
Identifiers: ClinVar variation 2691601 (VCV002691601.1), dbSNP rs1213903405, ClinGen allele CA607948507.

ClinVar aggregate classification (germline): Uncertain significance (1 of 4 stars; one submission).

Allele frequency attached by ClinVar (database versions not stated): gnomAD exomes below 0.00001.

Submission:

Women's Health and Genetics/Laboratory Corporation of America, LabCorp
Classification: Uncertain significance. Last evaluated: 2023-12-11. Review status: criteria provided, single submitter. Criteria: LabCorp Variant Classification Summary - May 2015. Collection method: clinical testing. Allele origin: germline.
Comment: Variant summary: DIABLO c.-1A>G is located in the untranslated mRNA region upstream of the initiation codon. The variant allele was found at a frequency of 4.4e-06 in 229200 control chromosomes. The available data on variant occurrences in the general population are insufficient to allow any conclusion about variant significance. To our knowledge, no occurrence of c.-1A>G in individuals affected with Autosomal Dominant Nonsyndromic Hearing Loss 64 and no experimental evidence demonstrating its impact on protein function have been reported. No submitters have cited clinical-significance assessments for this variant to ClinVar after 2014. Based on the evidence outlined above, the variant was classified as uncertain significance.